The following is an entry in ClinVar:

ClinVar aggregate classification (germline): Uncertain significance. Review status: criteria provided, multiple submitters, no conflicts (2 of 4 stars). 5 submissions from 5 submitters: Uncertain significance (5). Last evaluated 2025-09-17.

Conditions:
AARS1-related disorder. Also called: AARS1-related condition.
Inborn genetic diseases. Identifiers: MedGen C0950123, MeSH D030342.
Charcot-Marie-Tooth disease type 2. Also called: Charcot-Marie-Tooth type 2. Identifiers: Orphanet 64746, MedGen C0270914, MONDO:0018993.

Allele frequency attached by ClinVar (database versions not stated): ExAC 0.00001; gnomAD exomes 0.00001; TOPMed 0.00001; gnomAD 0.00003.
gnomAD v4.1: 10 of 1,614,118 alleles (0.00062%); highest among the groups gnomAD compares: Admixed American, 0.0017%; no homozygotes.

Submissions (5):

PreventionGenetics, part of Exact Sciences
Classification: Uncertain significance for AARS1-related condition. Last evaluated: 2025-09-17. Review status: criteria provided, single submitter. Criteria: ACMG Guidelines, 2015. Collection method: clinical testing. Allele origin: germline.
Comment: The AARS1 c.525C>G variant is predicted to result in the amino acid substitution p.Phe175Leu. This variant was reported in an individual with Charcot-Marie-Tooth disease, type 2 (Bacquet et al. 2018. PubMed ID: 30373780). This variant is reported in 0.00077% of alleles in individuals of European (Non-Finnish) descent in gnomAD. At this time, the clinical significance of this variant is uncertain due to the absence of conclusive functional and genetic evidence.

Labcorp Genetics (formerly Invitae), Labcorp
Classification: Uncertain significance for Charcot-Marie-Tooth disease type 2. Last evaluated: 2025-09-15. Review status: criteria provided, single submitter. Criteria: Invitae Variant Classification Sherloc (09022015). Collection method: clinical testing. Allele origin: germline.
Comment: This sequence change replaces phenylalanine, which is neutral and non-polar, with leucine, which is neutral and non-polar, at codon 175 of the AARS protein (p.Phe175Leu). This variant is present in population databases (rs369147317, gnomAD 0.005%). This missense change has been observed in individual(s) with Charcot-Marie-Tooth disease type 2 (CMT2) (PMID: 30373780). ClinVar contains an entry for this variant (Variation ID: 412290). Invitae Evidence Modeling of protein sequence and biophysical properties (such as structural, functional, and spatial information, amino acid conservation, physicochemical variation, residue mobility, and thermodynamic stability) has been performed for this missense variant. However, the output from this modeling did not meet the statistical confidence thresholds required to predict the impact of this variant on AARS protein function. In summary, the available evidence is currently insufficient to determine the role of this variant in disease. Therefore, it has been classified as a Variant of Uncertain Significance.

Blueprint Genetics
Classification: Uncertain significance. Last evaluated: 2024-10-25. Review status: criteria provided, single submitter. Criteria: ACMG Guidelines, 2015. Collection method: clinical testing. Allele origin: germline.

Revvity Omics, Revvity
Classification: Uncertain significance. Last evaluated: 2023-12-29. Review status: criteria provided, single submitter. Criteria: ACMG Guidelines, 2015. Collection method: clinical testing. Allele origin: germline.

Ambry Genetics
Classification: Uncertain significance for Inborn genetic diseases. Last evaluated: 2023-02-13. Review status: criteria provided, single submitter. Criteria: Ambry Variant Classification Scheme 2023. Collection method: clinical testing. Allele origin: germline.

Literature cited by the submitters: PubMed 30373780 (cited by Labcorp Genetics (formerly Invitae), Labcorp and Ambry Genetics).

NM_001605.3(AARS1):c.525C>G (p.Phe175Leu)

Gene: AARS1 (alanyl-tRNA synthetase 1; minus strand). Cytogenetic location: 16q22.1.
Variant type: single nucleotide variant.
Coding change: c.525C>G on transcript NM_001605.3 (MANE Select); coding-DNA position 525, C replaced by G.
Protein change: p.Phe175Leu; replaces phenylalanine 175 with leucine.
Molecular consequence: missense variant.
Genome position (GRCh38, 1-based): chr16:70,271,927, G>C on the plus strand (C>G on the coding strand, the complement: AARS1 is on the minus strand). VCF-style: chr16-70271927-G-C. GRCh37 (hg19) VCF-style: chr16-70305830-G-C.
Other names: short protein forms F175L.
Identifiers: ClinVar variation 412290 (VCV000412290.16), dbSNP rs369147317, ClinGen allele CA8141110.